The following is an entry in ClinVar:

ClinVar aggregate classification (germline): Pathogenic. Review status: criteria provided, multiple submitters, no conflicts (2 of 4 stars). 3 submissions from 3 submitters: Pathogenic (3). Last evaluated 2026-04-27.

Conditions:
Progressive familial intrahepatic cholestasis type 1. Also called: BYLER DISEASE; Severe ATP8B1 Deficiency (Progressive Familial Intrahepatic Cholestasis Type 1 [PFIC1]); Byler's disease. Identifiers: Orphanet 79306, MedGen C4551898, MONDO:0008892, OMIM 211600.
Familial intrahepatic cholestasis. Identifiers: Orphanet 284385, MedGen CN296401, MONDO:0017290.
Progressive familial intrahepatic cholestasis type 2. Identifiers: Orphanet 79304, MedGen C3489789, MONDO:0011156, OMIM 601847.

Submissions (3):

Women's Health and Genetics/Laboratory Corporation of America, LabCorp
Classification: Pathogenic for Progressive familial intrahepatic cholestasis type 1. Last evaluated: 2026-04-27. Review status: criteria provided, single submitter. Criteria: LabCorp Variant Classification Summary - May 2015. Collection method: clinical testing. Allele origin: germline.
Comment: Variant summary: ABCB11 c.1583_1584delTA (p.Ile528SerfsX21) results in a premature termination codon, predicted to cause a truncation of the encoded protein or absence of the protein due to nonsense mediated decay, which are commonly known mechanisms for disease. The variant was absent in 248598 control chromosomes. c.1583_1584delTA has been observed in individual(s) affected with Progressive familial intrahepatic cholestasis type 1. These data indicate that the variant may be associated with disease. To our knowledge, no experimental evidence demonstrating an impact on protein function has been reported. The following publication have been ascertained in the context of this evaluation (PMID: 18395098). ClinVar contains an entry for this variant (Variation ID: 3776863). Based on the evidence outlined above, the variant was classified as pathogenic.

Genomenon, Inc
Classification: Pathogenic for Familial intrahepatic cholestasis. Last evaluated: 2026-04-14. Review status: criteria provided, single submitter. Criteria: Genomenon Sequence Variant Interpretation Standards - Updated. Collection method: curation. Allele origin: germline. Affected: yes.
Comment: ABCB11 p.Ile528SerfsTer21 (c.1583_1584del) is a frameshift variant that results in the production of a truncated protein which is predicted to undergo nonsense-mediated mRNA decay. This variant has been observed in at least one proband with an ABCB11-related disorder (PMID:18395098). The variant was found to segregate with disease in at least one affected family (PMID:18395098). It is absent or not present at a significant frequency in gnomAD. In conclusion, we classify ABCB11 p.Ile528SerfsTer21 (c.1583_1584del) as a pathogenic variant.

Broad Center for Mendelian Genomics, Broad Institute of MIT and Harvard
Classification: Pathogenic for Progressive familial intrahepatic cholestasis type 2. Last evaluated: 2025-01-27. Review status: criteria provided, single submitter. Criteria: ACMG Guidelines, 2015. Collection method: curation. Allele origin: germline. Inheritance: Autosomal recessive inheritance.
Comment: The p.Ile528SerfsTer21 variant in ABCB11 has been reported in 2 families with BSEP deficiency (PMID: 18395098), and has been identified in 0.00008% (1/1179368) of European (non-Finnish) chromosomes by the Genome Aggregation Database (gnomAD). Although this variant has been seen in the general population in a heterozygous state, its frequency is low enough to be consistent with a recessive carrier frequency. Of the 2 affected individuals, both were compound heterozygotes that carried a reported pathogenic variant with unknown phase, which increases the likelihood that the p.Ile528SerfsTer21 variant is pathogenic (Variation ID: 6590; PMID: 18395098). This variant is predicted to cause a frameshift, which alters the protein‚Äôs amino acid sequence beginning at position 528 and leads to a premature termination codon 21 amino acids downstream. This alteration is then predicted to lead to a truncated or absent protein. Loss of function of the ABCB11 gene is an established disease mechanism in autosomal recessive BSEP deficiency. In summary, this variant meets criteria to be classified as pathogenic for autosomal recessive BSEP deficiency. ACMG/AMP criteria applied: PVS1, PM3, PM2_supporting (Richards 2015).

Literature cited by the submitters: PubMed 18395098 (cited by Women's Health and Genetics/Laboratory Corporation of America, LabCorp and Genomenon, Inc).

NM_003742.4(ABCB11):c.1583_1584del (p.Ile528fs)

Gene: ABCB11 (ATP binding cassette subfamily B member 11; minus strand). Cytogenetic location: 2q31.1.
Variant type: Deletion.
Coding change: c.1583_1584del on transcript NM_003742.4 (MANE Select); coding-DNA positions 1583 to 1584, 2 bases deleted (TA; older notation c.1583_1584delTA).
Protein change: p.Ile528fs; shifts the reading frame from isoleucine 528.
Molecular consequence: frameshift variant.
Genome position (GRCh38, 1-based): chr2:168,971,901-168,971,902, TA deleted on the plus strand (TA on the coding strand, the reverse complement: ABCB11 is on the minus strand); deleting any 2 consecutive bases within chr2:168,971,901-168,971,903 gives the same sequence; the c. name uses the placement nearest the transcript's 3' end. VCF-style (leftmost placement, unchanged base first): chr2-168971900-CTA-C. GRCh37 (hg19) VCF-style: chr2-169828410-CTA-C.
Other names: NM_003742.4:c.1583_1584del; c.1583_1584delTA (NM_003742.4); short protein forms I528fs.
Identifiers: ClinVar variation 3776863 (VCV003776863.2).